The following is an entry in ClinVar:

ClinVar aggregate classification (germline): Uncertain significance (1 of 4 stars; one submission).

Allele frequency attached by ClinVar (database versions not stated): ExAC 0.00001; TOPMed 0.00003.
gnomAD v4.1: 27 of 1,613,936 alleles (0.0017%); highest among the groups gnomAD compares: Non-Finnish European, 0.0022%; no homozygotes.

Submission:

Labcorp Genetics (formerly Invitae), Labcorp
Classification: Uncertain significance. Last evaluated: 2025-12-16. Review status: criteria provided, single submitter. Criteria: Invitae Variant Classification Sherloc (09022015). Collection method: clinical testing. Allele origin: germline.
Comment: This sequence change replaces glutamine, which is neutral and polar, with leucine, which is neutral and non-polar, at codon 318 of the COL4A2 protein (p.Gln318Leu). This variant is present in population databases (rs201690865, gnomAD 0.004%). This variant has not been reported in the literature in individuals affected with COL4A2-related conditions. ClinVar contains an entry for this variant (Variation ID: 2170773). Invitae Evidence Modeling of protein sequence and biophysical properties (such as structural, functional, and spatial information, amino acid conservation, physicochemical variation, residue mobility, and thermodynamic stability) indicates that this missense variant is not expected to disrupt COL4A2 protein function with a negative predictive value of 95%. In summary, the available evidence is currently insufficient to determine the role of this variant in disease. Therefore, it has been classified as a Variant of Uncertain Significance.

NM_001846.4(COL4A2):c.953A>T (p.Gln318Leu)

Gene: COL4A2 (collagen type IV alpha 2 chain; plus strand). Cytogenetic location: 13q34.
Variant type: single nucleotide variant.
Coding change: c.953A>T on transcript NM_001846.4 (MANE Select); coding-DNA position 953, A replaced by T.
Protein change: p.Gln318Leu; replaces glutamine 318 with leucine.
Molecular consequence: missense variant.
Genome position (GRCh38, 1-based): chr13:110,439,829, A>T. VCF-style: chr13-110439829-A-T. GRCh37 (hg19) VCF-style: chr13-111092176-A-T.
Other names: short protein forms Q318L.
Identifiers: ClinVar variation 2170773 (VCV002170773.4), dbSNP rs201690865, ClinGen allele CA7049233.